The following is an entry in ClinVar:

ClinVar aggregate classification (germline): Benign. Review status: criteria provided, multiple submitters, no conflicts (2 of 4 stars). 7 submissions from 6 submitters: Benign (7). Last evaluated 2025-02-01.

Conditions:
Neurofibromatosis, familial spinal (FSNF). Identifiers: Orphanet 636, MedGen C1834235, MONDO:0008078, OMIM 162210. Disease mechanism: loss of function.
Neurofibromatosis, type 1 (NF1). Also called: NEUROFIBROMATOSIS, TYPE I, SOMATIC; Neurofibromatosis, type I; VON RECKLINGHAUSEN DISEASE; Peripheral type neurofibromatosis. Identifiers: Orphanet 636, MedGen C0027831, MONDO:0018975, OMIM 162200. Disease mechanism: loss of function.

Allele frequency attached by ClinVar (database versions not stated): gnomAD exomes 0.59119 and 0.61850; ExAC 0.60005; 1000 Genomes Project 0.60583; 1000 Genomes Project 30x 0.61056; TOPMed 0.64318; gnomAD 0.64686 and 0.65316; ESP Exome Variant Server 0.67669.
gnomAD v4.1: 993,778 of 1,599,250 alleles (62%); highest among the groups gnomAD compares: African/African-American, 75%; 312,036 homozygotes.

Submissions (7):

KCCC/NGS Laboratory, Kuwait Cancer Control Center
Classification: Benign for Neurofibromatosis, type 1. Last evaluated: 2025-02-01. Review status: criteria provided, single submitter. Criteria: ACMG Guidelines, 2015. Collection method: clinical testing. Allele origin: germline. Affected: no.

KCCC/NGS Laboratory, Kuwait Cancer Control Center
Classification: Benign for Neurofibromatosis, familial spinal. Last evaluated: 2023-07-07. Review status: criteria provided, single submitter. Criteria: ACMG Guidelines, 2015. Collection method: clinical testing. Allele origin: germline. Affected: yes.

Genome-Nilou Lab
Classification: Benign for Neurofibromatosis, type 1. Last evaluated: 2021-09-05. Review status: criteria provided, single submitter. Criteria: ACMG Guidelines, 2015. Collection method: clinical testing. Allele origin: germline. Affected: no.

ARUP Laboratories, Molecular Genetics and Genomics, ARUP Laboratories
Classification: Benign. Last evaluated: 2018-07-10. Review status: criteria provided, single submitter. Criteria: ARUP Molecular Germline Variant Investigation Process. Collection method: clinical testing. Allele origin: germline.

GeneDx
Classification: Benign. Last evaluated: 2018-06-20. Review status: criteria provided, single submitter. Criteria: GeneDx Variant Classification (06012015). Collection method: clinical testing. Allele origin: germline. Affected: yes.
Comment: This variant is considered likely benign or benign based on one or more of the following criteria: it is a conservative change, it occurs at a poorly conserved position in the protein, it is predicted to be benign by multiple in silico algorithms, and/or has population frequency not consistent with disease.

Breakthrough Genomics
Classification: Benign. Review status: criteria provided, single submitter. Criteria: ACMG Guidelines, 2015. Collection method: not provided. Allele origin: germline. Inheritance: Autosomal dominant inheritance. Affected: yes.

PreventionGenetics, part of Exact Sciences
Classification: Benign. Review status: criteria provided, single submitter. Criteria: ACMG Guidelines, 2015. Collection method: clinical testing. Allele origin: germline.

NM_001042492.3(NF1):c.5268+23T>C

Gene: NF1 (neurofibromin 1; plus strand). Cytogenetic location: 17q11.2.
Variant type: single nucleotide variant.
Coding change: c.5268+23T>C on transcript NM_001042492.3 (MANE Select); 23 bases into the intron after coding-DNA position 5268, T replaced by C.
Molecular consequence: intron variant.
Genome position (GRCh38, 1-based): chr17:31,326,275, T>C. VCF-style: chr17-31326275-T-C. GRCh37 (hg19) VCF-style: chr17-29653293-T-C.
Other names: c.5205+23T>C (NM_000267.4).
Identifiers: ClinVar variation 257293 (VCV000257293.15), dbSNP rs9894648, ClinGen allele CA8487159.